The following is an entry in ClinVar:

ClinVar aggregate classification (germline): Uncertain significance (1 of 4 stars; one submission).

Submission:

GeneDx
Classification: Uncertain significance. Last evaluated: 2024-03-31. Review status: criteria provided, single submitter. Criteria: GeneDx Variant Classification Process June 2021. Collection method: clinical testing. Allele origin: germline. Affected: yes.
Comment: Not observed at significant frequency in large population cohorts (gnomAD); In silico analysis supports that this missense variant has a deleterious effect on protein structure/function; Has not been previously published as pathogenic or benign to our knowledge

NM_001961.4(EEF2):c.1645G>A (p.Ala549Thr)

Gene: EEF2 (eukaryotic translation elongation factor 2; minus strand). Cytogenetic location: 19p13.3.
Variant type: single nucleotide variant.
Coding change: c.1645G>A on transcript NM_001961.4 (MANE Select); coding-DNA position 1645, G replaced by A.
Protein change: p.Ala549Thr; replaces alanine 549 with threonine.
Molecular consequence: missense variant.
Genome position (GRCh38, 1-based): chr19:3,979,397, C>T on the plus strand (G>A on the coding strand, the complement: EEF2 is on the minus strand). VCF-style: chr19-3979397-C-T. GRCh37 (hg19) VCF-style: chr19-3979395-C-T.
Other names: short protein forms A549T.
Identifiers: ClinVar variation 3371908 (VCV003371908.1).
Genomic context (GRCh38, chr19:3,979,397, plus strand): 5'-GGATGCAGGCGTGGTCCTCCTCCAGGTCCTTCAGGCAGATCTCCAGGTGCAGCTCGCCGG[C>T]GCCCGCGATGATATGCTCTCCCGACTCCTCGATGATGCACTGAAAGGGATGCGGGTCAGC-3'
Protein context (NP_001952.1, residues 539-559): EESGEHIIAG[Ala549Thr]GELHLEICLK